The following is an entry in ClinVar:

NM_032638.5(GATA2):c.20_41del (p.Gln7fs)

Gene: GATA2 (GATA binding protein 2; minus strand). Cytogenetic location: 3q21.3.
Variant type: Deletion.
Coding change: c.20_41del on transcript NM_032638.5 (MANE Select); coding-DNA positions 20 to 41, 22 bases deleted (AGCCGCGCTGGATGGCGCACCC).
Protein change: p.Gln7fs; shifts the reading frame from glutamine 7.
Molecular consequence: frameshift variant.
Genome position (GRCh38, 1-based): chr3:128,486,991-128,487,012, GGGTGCGCCATCCAGCGCGGCT deleted on the plus strand (AGCCGCGCTGGATGGCGCACCC on the coding strand, the reverse complement: GATA2 is on the minus strand); deleting any 22 consecutive bases within chr3:128,486,991-128,487,013 gives the same sequence; the c. name uses the placement nearest the transcript's 3' end. VCF-style (leftmost placement, unchanged base first): chr3-128486990-CGGGTGCGCCATCCAGCGCGGCT-C. GRCh37 (hg19) VCF-style: chr3-128205833-CGGGTGCGCCATCCAGCGCGGCT-C.
Other names: c.20_41del, p.Gln7fs (NM_001145661.2, NM_001145662.1); short protein forms Q7fs.
Identifiers: ClinVar variation 4786029 (VCV004786029.1).

ClinVar aggregate classification (germline): Pathogenic (1 of 4 stars; one submission).

Conditions:
Monocytopenia with susceptibility to infections. Also called: MONOCYTOPENIA AND MYCOBACTERIAL INFECTION SYNDROME; MONOCYTOPENIA WITH SUSCEPTIBILITY TO MYCOBACTERIAL, FUNGAL, AND PAPILLOMAVIRUS INFECTIONS AND MYELODYSPLASIA; COMBINED IMMUNODEFICIENCY WITH SUSCEPTIBILITY TO MYCOBACTERIAL, VIRAL, AND FUNGAL INFECTIONS; Dendritic cell, monocyte, B lymphocyte, and natural killer lymphocyte deficiency; IMMUNODEFICIENCY 21; GATA2 DEFICIENCY. Identifiers: Orphanet 228423, MedGen C3280030, MONDO:0013607, OMIM 614172.
Deafness-lymphedema-leukemia syndrome. Also called: Lymphedema, primary, with myelodysplasia; Emberger syndrome. Identifiers: Orphanet 3226, MedGen C3279664, MONDO:0013540, OMIM 614038.

Submission:

Labcorp Genetics (formerly Invitae), Labcorp
Classification: Pathogenic for Monocytopenia with susceptibility to infections; Deafness-lymphedema-leukemia syndrome. Last evaluated: 2026-01-12. Review status: criteria provided, single submitter. Criteria: Invitae Variant Classification Sherloc (09022015). Collection method: clinical testing. Allele origin: germline.
Comment: This sequence change creates a premature translational stop signal (p.Gln7Argfs*4) in the GATA2 gene. It is expected to result in an absent or disrupted protein product. Loss-of-function variants in GATA2 are known to be pathogenic (PMID: 21670465, 23223431). This variant is not present in population databases (gnomAD no frequency). This variant has not been reported in the literature in individuals affected with GATA2-related conditions. For these reasons, this variant has been classified as Pathogenic.

Literature cited by the submitters: PubMed 21670465; PubMed 23223431.